The following is an entry in ClinVar:

ClinVar aggregate classification (germline): VUS-high (1 of 4 stars; one submission).

Conditions:
Amyotrophic lateral sclerosis type 1 (ALS1). Also called: AMYOTROPHIC LATERAL SCLEROSIS 1, FAMILIAL. Identifiers: Orphanet 803, MedGen C1862939, MONDO:0007103, OMIM 105400.

Submission:

Department of Neurology, University Medical Center Utrecht
Classification: VUS-high for Amyotrophic lateral sclerosis type 1. Last evaluated: 2026-06-30. Review status: criteria provided, single submitter. Criteria: ACMG Guidelines, 2015. Collection method: clinical testing. Allele origin: unknown. Inheritance: Autosomal dominant inheritance. Affected: yes. Observed: 1 variant allele, 1 heterozygote.
Comment: The following codes were applied for this variant in SOD1 (NM_000454.5): PM2 supporting (absence in gnomADv4.1), PM4_moderate (protein length changes resulting from in-frame deletion), PM1 supporting (variant is located in mutational hot spot). It was classified as a VUS. A trial treatment with tofersen (antisense therapy targeting SOD1 in ALS) was started. After 6 months of treatment, there was a 47% reduction of SOD1 protein in CSF (from 101.8 to 54.0 ng/mL). NfL levels decreased in both CSF (from 5673 to 2543 pg/mL, -55%) and serum (from 83.0 to 41.3 pg/mL, -50%). There was stabilization of muscle strength. Classified as a 4 using a natural scaled point system based on the ACMG guidelines (PMID 31690835)

Literature cited by the submitters: DOI 10.1002/humu.24088.

NM_000454.5(SOD1):c.234_236del (p.Glu79del)

Gene: SOD1 (superoxide dismutase 1; plus strand). Cytogenetic location: 21q22.11.
Variant type: Deletion.
Coding change: c.234_236del on transcript NM_000454.5 (MANE Select); coding-DNA positions 234 to 236, 3 bases deleted (AGA; older notation c.234_236delAGA).
Protein change: p.Glu79del; deletes glutamic acid 79.
Molecular consequence: inframe deletion.
Genome position (GRCh38, 1-based): chr21:31,666,513-31,666,515, AGA deleted; deleting any 3 consecutive bases within chr21:31,666,511-31,666,515 gives the same sequence; the c. name uses the placement nearest the transcript's 3' end. VCF-style (leftmost placement, unchanged base first): chr21-31666510-TGAA-T. GRCh37 (hg19) VCF-style: chr21-33038823-TGAA-T.
Other names: NP_000445.1:p.Glu79del; short protein forms E79del.
Identifiers: ClinVar variation 4876230 (VCV004876230.1).